The following is an entry in ClinVar:

ClinVar aggregate classification (germline): Likely pathogenic (1 of 4 stars; one submission).

Conditions:
Mucopolysaccharidosis, MPS-II (MPS2). Also called: Hunter Syndrome; IDURONATE 2-SULFATASE DEFICIENCY; Mucopolysaccharidosis Type II; Mucopolysaccharidosis type 2; Attenuated MPS (subtype; formerly known as mild MPS II); Severe MPS II. Identifiers: Orphanet 580, Orphanet 79388, MedGen C0026705, MONDO:0010674, OMIM 309900.

Submission:

Laboratory of Diagnosis and Therapy of Lysosomal Disorders, University of Padova
Classification: Likely pathogenic for Mucopolysaccharidosis, MPS-II. Last evaluated: 2024-06-07. Review status: criteria provided, single submitter. Criteria: ACMG Guidelines, 2015. Collection method: literature only. Allele origin: germline. Affected: yes. Observed: 1 variant allele.
Comment: Absent from controls (or at low frequency) in gnomAD database (PM2_Moderate), Missense variant in a gene with a low rate of benign missense variation (PP2_Supporting), Patient’s phenotype or family history highly specific for the disease (PP4_Strong)

Classification method: ACMG Guidelines [PMID:25741868] with modifications

Literature cited by the submitters: PubMed 21829674.

NM_000202.8(IDS):c.215T>C (p.Leu72Pro)

Gene: IDS (iduronate 2-sulfatase; minus strand). Cytogenetic location: Xq28.
Variant type: single nucleotide variant.
Coding change: c.215T>C on transcript NM_000202.8 (MANE Select); coding-DNA position 215, T replaced by C.
Protein change: p.Leu72Pro; replaces leucine 72 with proline.
Molecular consequence: missense variant. On other transcripts: 5 prime UTR variant (1), non-coding transcript variant (1).
Genome position (GRCh38, 1-based): chrX:149,504,182, A>G on the plus strand (T>C on the coding strand, the complement: IDS is on the minus strand). VCF-style: chrX-149504182-A-G. GRCh37 (hg19) VCF-style: chrX-148585712-A-G.
Other names: c.-12T>C (NM_001166550.4); c.215T>C, p.Leu72Pro (NM_006123.5); short protein forms L72P.
Identifiers: ClinVar variation 3256097 (VCV003256097.2).